The following is an entry in ClinVar:

ClinVar aggregate classification (germline): Conflicting classifications of pathogenicity. Review status: criteria provided, conflicting classifications (1 of 4 stars). 2 submissions from 2 submitters: Uncertain significance (1); Benign (1). Last evaluated 2024-12-05.

Conditions:
Primary ciliary dyskinesia. Also called: Ciliary dyskinesia. Identifiers: Orphanet 244, MedGen C0008780, MONDO:0016575, HP:0012265.

Allele frequency attached by ClinVar (database versions not stated): gnomAD 0.00001; TOPMed 0.00001.
gnomAD v4.1: 12 of 1,613,130 alleles (0.00074%); highest among the groups gnomAD compares: Admixed American, 0.0033%; no homozygotes.

Submissions (2):

Ambry Genetics
Classification: Uncertain significance for Primary ciliary dyskinesia. Last evaluated: 2024-12-05. Review status: criteria provided, single submitter. Criteria: Ambry Variant Classification Scheme 2023. Collection method: clinical testing. Allele origin: germline.
Comment: The p.R1320H variant (also known as c.3959G>A), located in coding exon 21 of the DNAH11 gene, results from a G to A substitution at nucleotide position 3959. The arginine at codon 1320 is replaced by histidine, an amino acid with highly similar properties. This amino acid position is conserved. In addition, this alteration is predicted to be tolerated by in silico analysis. Based on the available evidence, the clinical significance of this variant remains unclear.

Labcorp Genetics (formerly Invitae), Labcorp
Classification: Benign for Primary ciliary dyskinesia. Last evaluated: 2024-01-01. Review status: criteria provided, single submitter. Criteria: Invitae Variant Classification Sherloc (09022015). Collection method: clinical testing. Allele origin: germline.

NM_001277115.2(DNAH11):c.3959G>A (p.Arg1320His)

Gene: DNAH11 (dynein axonemal heavy chain 11; plus strand). Cytogenetic location: 7p15.3.
Variant type: single nucleotide variant.
Coding change: c.3959G>A on transcript NM_001277115.2 (MANE Select); coding-DNA position 3959, G replaced by A.
Protein change: p.Arg1320His; replaces arginine 1320 with histidine.
Molecular consequence: missense variant.
Genome position (GRCh38, 1-based): chr7:21,615,220, G>A. VCF-style: chr7-21615220-G-A. GRCh37 (hg19) VCF-style: chr7-21654838-G-A.
Other names: c.3959G>A, p.Arg1320His (NM_003777.3); c.3959G>A (NM_001277115.1); short protein forms R1320H.
Identifiers: ClinVar variation 2894592 (VCV002894592.4), dbSNP rs1173183119, ClinGen allele CA366951248.